The following is an entry in ClinVar:

ClinVar aggregate classification (germline): Uncertain significance (1 of 4 stars; one submission).

Conditions:
ALDH18A1-related disorder. Also called: ALDH18A1-related disorders.

Allele frequency attached by ClinVar (database versions not stated): gnomAD exomes below 0.00001.
gnomAD v4.1: 2 of 1,607,016 alleles (0.00012%); highest among the groups gnomAD compares: Non-Finnish European, 0.00017%; no homozygotes.

Submission:

PreventionGenetics, part of Exact Sciences
Classification: Uncertain significance for ALDH18A1-related condition. Last evaluated: 2023-09-11. Review status: criteria provided, single submitter. Criteria: ACMG Guidelines, 2015. Collection method: clinical testing. Allele origin: germline.
Comment: The ALDH18A1 c.1486G>A variant is predicted to result in the amino acid substitution p.Ala496Thr. To our knowledge, this variant has not been reported in the literature. This variant is reported in 0.0018% of alleles in individuals of European (Non-Finnish) descent in gnomAD. At this time, the clinical significance of this variant is uncertain due to the absence of conclusive functional and genetic evidence.

NM_002860.4(ALDH18A1):c.1486G>A (p.Ala496Thr)

Gene: ALDH18A1 (aldehyde dehydrogenase 18 family member A1; minus strand). Cytogenetic location: 10q24.1.
Variant type: single nucleotide variant.
Coding change: c.1486G>A on transcript NM_002860.4 (MANE Select); coding-DNA position 1486, G replaced by A.
Protein change: p.Ala496Thr; replaces alanine 496 with threonine.
Molecular consequence: missense variant.
Genome position (GRCh38, 1-based): chr10:95,616,596, C>T on the plus strand (G>A on the coding strand, the complement: ALDH18A1 is on the minus strand). VCF-style: chr10-95616596-C-T. GRCh37 (hg19) VCF-style: chr10-97376353-C-T.
Other names: c.1480G>A, p.Ala494Thr (NM_001017423.2, NM_001323415.2); c.1153G>A, p.Ala385Thr (NM_001323412.2, NM_001323416.2); c.1486G>A, p.Ala496Thr (NM_001323413.2, NM_001323414.2); c.1381G>A, p.Ala461Thr (NM_001323417.2); c.1147G>A, p.Ala383Thr (NM_001323418.2); c.850G>A, p.Ala284Thr (NM_001323419.2); short protein forms A284T, A383T, A385T, A461T, A494T, A496T.
Identifiers: ClinVar variation 2628700 (VCV002628700.1), dbSNP rs1185868272, ClinGen allele CA377701178.